The following is an entry in ClinVar:

NM_004329.3(BMPR1A):c.431-26T>A

Gene: BMPR1A (bone morphogenetic protein receptor type 1A; plus strand). Cytogenetic location: 10q23.2.
Variant type: single nucleotide variant.
Coding change: c.431-26T>A on transcript NM_004329.3 (MANE Select); 26 bases into the intron before coding-DNA position 431, T replaced by A.
Molecular consequence: intron variant.
Genome position (GRCh38, 1-based): chr10:86,900,001, T>A. VCF-style: chr10-86900001-T-A. GRCh37 (hg19) VCF-style: chr10-88659758-T-A.
Identifiers: ClinVar variation 439438 (VCV000439438.25), dbSNP rs7920259, ClinGen allele CA5585523.

ClinVar aggregate classification (germline): Benign/Likely benign. Review status: criteria provided, multiple submitters, no conflicts (2 of 4 stars). 7 submissions from 7 submitters: Benign (5); Likely benign (1). 1 of the submissions does not count toward it. Last evaluated 2025-03-04.

Conditions:
Juvenile polyposis syndrome (JPS). Identifiers: Orphanet 2929, MedGen C0345893, MONDO:0017380, OMIM 174900.
Hereditary cancer-predisposing syndrome. Also called: Hereditary Cancer Syndrome; Hereditary neoplastic syndrome; Tumor predisposition; Neoplastic Syndromes, Hereditary. Identifiers: Orphanet 140162, MedGen C0027672, MeSH D009386, MONDO:0015356.

Allele frequency attached by ClinVar (database versions not stated): gnomAD exomes 0.02215 and 0.03080; ExAC 0.03447; 1000 Genomes Project 0.05950; gnomAD 0.06214 and 0.06507; 1000 Genomes Project 30x 0.06465; ESP Exome Variant Server 0.06866; TOPMed 0.06882.
gnomAD v4.1: 42,354 of 1,613,238 alleles (2.6%); highest among the groups gnomAD compares: African/African-American, 18%; 1,730 homozygotes.

Submissions (7):

Center for Genomic Medicine, Rigshospitalet, Copenhagen University Hospital
Classification: Likely benign. Last evaluated: 2025-03-04. Review status: criteria provided, single submitter. Criteria: ACMG Guidelines, 2015. Collection method: clinical testing. Allele origin: germline.

Hereditary Cancer Laboratory, Hospital Universitario 12 de Octubre
Classification: Benign for Hereditary cancer-predisposing syndrome. Last evaluated: 2024-08-25. Review status: criteria provided, single submitter. Criteria: ACMG Guidelines, 2015. Collection method: clinical testing. Allele origin: germline.
Comment: BA1+BP6

KCCC/NGS Laboratory, Kuwait Cancer Control Center
Classification: Benign for Juvenile polyposis syndrome. Last evaluated: 2023-07-07. Review status: criteria provided, single submitter. Criteria: ACMG Guidelines, 2015. Collection method: clinical testing. Allele origin: germline. Affected: yes.

ARUP Laboratories, Molecular Genetics and Genomics, ARUP Laboratories
Classification: Benign. Last evaluated: 2019-05-09. Review status: criteria provided, single submitter. Criteria: ARUP Molecular Germline Variant Investigation Process. Collection method: clinical testing. Allele origin: germline.

GeneDx
Classification: Benign. Last evaluated: 2015-03-03. Review status: criteria provided, single submitter. Criteria: GeneDx Variant Classification Process June 2021. Collection method: clinical testing. Allele origin: germline. Affected: yes.

Breakthrough Genomics
Classification: Benign. Review status: criteria provided, single submitter. Criteria: ACMG Guidelines, 2015. Collection method: not provided. Allele origin: germline. Inheritance: Autosomal dominant inheritance. Affected: yes.

Mayo Clinic Laboratories, Mayo Clinic
Classification: Benign. Review status: no assertion criteria provided. Collection method: clinical testing. Allele origin: unknown. Not counted in ClinVar's aggregate classification.